The following is an entry in ClinVar:

ClinVar aggregate classification (germline): Uncertain significance. Review status: criteria provided, multiple submitters, no conflicts (2 of 4 stars). 2 submissions from 2 submitters: Uncertain significance (2). Last evaluated 2023-02-24.

Conditions:
Familial thoracic aortic aneurysm and aortic dissection (TAAD). Also called: Thoracic aortic aneurysms and dissections. Identifiers: Orphanet 91387, MedGen C4707243, MONDO:0019625.
Hereditary cancer-predisposing syndrome. Also called: Hereditary neoplastic syndrome; Tumor predisposition; Neoplastic Syndromes, Hereditary; Hereditary Cancer Syndrome. Identifiers: Orphanet 140162, MedGen C0027672, MeSH D009386, MONDO:0015356.
Juvenile polyposis syndrome (JPS). Identifiers: Orphanet 2929, MedGen C0345893, MONDO:0017380, OMIM 174900.

Submissions (2):

Ambry Genetics
Classification: Uncertain significance for Hereditary cancer-predisposing syndrome; Familial thoracic aortic aneurysm and aortic dissection. Last evaluated: 2023-02-24. Review status: criteria provided, single submitter. Criteria: Ambry Variant Classification Scheme 2023. Collection method: clinical testing. Allele origin: germline.
Comment: The p.T269P variant (also known as c.805A>C), located in coding exon 6 of the SMAD4 gene, results from an A to C substitution at nucleotide position 805. The threonine at codon 269 is replaced by proline, an amino acid with highly similar properties. This amino acid position is conserved. In addition, this alteration is predicted to be tolerated by in silico analysis. Since supporting evidence is limited at this time, the clinical significance of this alteration remains unclear.

Labcorp Genetics (formerly Invitae), Labcorp
Classification: Uncertain significance for Juvenile polyposis syndrome. Last evaluated: 2019-04-18. Review status: criteria provided, single submitter. Criteria: Invitae Variant Classification Sherloc (09022015). Collection method: clinical testing. Allele origin: germline.
Comment: In summary, the available evidence is currently insufficient to determine the role of this variant in disease. Therefore, it has been classified as a Variant of Uncertain Significance. Algorithms developed to predict the effect of missense changes on protein structure and function (SIFT, PolyPhen-2, Align-GVGD) all suggest that this variant is likely to be tolerated, but these predictions have not been confirmed by published functional studies and their clinical significance is uncertain. This variant has not been reported in the literature in individuals with SMAD4-related conditions. This variant is not present in population databases (ExAC no frequency). This sequence change replaces threonine with proline at codon 269 of the SMAD4 protein (p.Thr269Pro). The threonine residue is moderately conserved and there is a small physicochemical difference between threonine and proline.

NM_005359.6(SMAD4):c.805A>C (p.Thr269Pro)

Gene: SMAD4 (SMAD family member 4; plus strand). Cytogenetic location: 18q21.2.
Variant type: single nucleotide variant.
Coding change: c.805A>C on transcript NM_005359.6 (MANE Select); coding-DNA position 805, A replaced by C.
Protein change: p.Thr269Pro; replaces threonine 269 with proline.
Molecular consequence: missense variant.
Genome position (GRCh38, 1-based): chr18:51,058,357, A>C. VCF-style: chr18-51058357-A-C. GRCh37 (hg19) VCF-style: chr18-48584727-A-C.
Other names: short protein forms T269P.
Identifiers: ClinVar variation 950946 (VCV000950946.11), dbSNP rs1909899693, ClinGen allele CA402463322.